The following is an entry in ClinVar:

ClinVar aggregate classification (germline): Benign. Review status: criteria provided, single submitter (1 of 4 stars). 2 submissions from 2 submitters: Benign (1). 1 of the submissions does not count toward it. Last evaluated 2013-11-25.

Allele frequency attached by ClinVar (database versions not stated): 1000 Genomes Project 30x 0.00109; 1000 Genomes Project 0.00140; gnomAD 0.00316 and 0.00327; ExAC 0.00323; gnomAD exomes 0.00326 and 0.00483; TOPMed 0.00330; ESP Exome Variant Server 0.00484.
gnomAD v4.1: 7,506 of 1,613,462 alleles (0.47%); highest among the groups gnomAD compares: Non-Finnish European, 0.57%; 19 homozygotes.

Submissions (2):

GeneDx
Classification: Benign. Last evaluated: 2013-11-25. Review status: criteria provided, single submitter. Criteria: GeneDx Variant Classification (06012015). Collection method: clinical testing. Allele origin: germline. Affected: yes.
Comment: This variant is considered likely benign or benign based on one or more of the following criteria: it is a conservative change, it occurs at a poorly conserved position in the protein, it is predicted to be benign by multiple in silico algorithms, and/or has population frequency not consistent with disease.

Mayo Clinic Laboratories, Mayo Clinic
Classification: Likely benign. Last evaluated: 2016-03-07. Review status: no assertion criteria provided. Collection method: clinical testing. Allele origin: unknown. Not counted in ClinVar's aggregate classification.

NM_006351.4(TIMM44):c.138A>G (p.Pro46=)

Gene: TIMM44 (translocase of inner mitochondrial membrane 44; minus strand). Cytogenetic location: 19p13.2.
Variant type: single nucleotide variant.
Coding change: c.138A>G on transcript NM_006351.4 (MANE Select); coding-DNA position 138, A replaced by G.
Protein change: p.Pro46=; no amino-acid change (proline 46 retained).
Molecular consequence: synonymous variant.
Genome position (GRCh38, 1-based): chr19:7,941,105, T>C on the plus strand (A>G on the coding strand, the complement: TIMM44 is on the minus strand). VCF-style: chr19-7941105-T-C. GRCh37 (hg19) VCF-style: chr19-8005990-T-C.
Other names: p.P46P:CCA>CCG.
Identifiers: ClinVar variation 137653 (VCV000137653.5), dbSNP rs145509783, ClinGen allele CA291303.